The following is an entry in ClinVar:

ClinVar aggregate classification (germline): Uncertain significance. Review status: criteria provided, single submitter (1 of 4 stars). 2 submissions from 2 submitters: Uncertain significance (1). 1 of the submissions does not count toward it. Last evaluated 2020-01-28.

Conditions:
Familial dysautonomia. Also called: FD; HSAN III. Identifiers: Orphanet 1764, MedGen C0013364, MONDO:0009131, OMIM 223900. Disease mechanism: loss of function.

gnomAD v4.1: 3 of 1,614,186 alleles (0.00019%); highest among the groups gnomAD compares: Admixed American, 0.005%; no homozygotes.

Submissions (2):

GeneDx
Classification: Uncertain significance. Last evaluated: 2020-01-28. Review status: criteria provided, single submitter. Criteria: GeneDx Variant Classification Process June 2021. Collection method: clinical testing. Allele origin: germline. Affected: yes.
Comment: Not observed at a significant frequency in large population cohorts (Lek et al., 2016); In silico analysis supports that this missense variant has a deleterious effect on protein structure/function; Has not been previously published as pathogenic or benign to our knowledge

Natera, Inc.
Classification: Uncertain significance for Familial dysautonomia. Last evaluated: 2020-04-28. Review status: no assertion criteria provided. Collection method: clinical testing. Allele origin: germline. Not counted in ClinVar's aggregate classification.

NM_003640.5(ELP1):c.3593G>C (p.Arg1198Pro)

Gene: ELP1 (elongator acetyltransferase complex subunit 1; minus strand). Cytogenetic location: 9q31.3.
Variant type: single nucleotide variant.
Coding change: c.3593G>C on transcript NM_003640.5 (MANE Select); coding-DNA position 3593, G replaced by C.
Protein change: p.Arg1198Pro; replaces arginine 1198 with proline.
Molecular consequence: missense variant.
Genome position (GRCh38, 1-based): chr9:108,878,730, C>G on the plus strand (G>C on the coding strand, the complement: ELP1 is on the minus strand). VCF-style: chr9-108878730-C-G. GRCh37 (hg19) VCF-style: chr9-111641010-C-G.
Other names: c.3251G>C, p.Arg1084Pro (NM_001318360.2); c.2546G>C, p.Arg849Pro (NM_001330749.2); short protein forms R1084P, R1198P, R849P.
Identifiers: ClinVar variation 1191935 (VCV001191935.3), dbSNP rs200322331, ClinGen allele CA5174236.